The following is an entry in ClinVar:

ClinVar aggregate classification (germline): Benign/Likely benign. Review status: criteria provided, multiple submitters, no conflicts (2 of 4 stars). 2 submissions from 2 submitters: Benign (1); Likely benign (1). Last evaluated 2025-02-19.

Conditions:
Hereditary cancer-predisposing syndrome. Also called: Neoplastic Syndromes, Hereditary; Hereditary Cancer Syndrome; Hereditary neoplastic syndrome; Tumor predisposition. Identifiers: Orphanet 140162, MedGen C0027672, MeSH D009386, MONDO:0015356.
Breast-ovarian cancer, familial, susceptibility to, 3. Also called: RAD51C-Related Breast/Ovarian Cancer. Identifiers: Orphanet 145, MedGen C3150659, MONDO:0013253, OMIM 613399.

Submissions (2):

Myriad Genetics, Inc.
Classification: Benign for Breast-ovarian cancer, familial, susceptibility to, 3. Last evaluated: 2025-02-19. Review status: criteria provided, single submitter. Criteria: Myriad Autosomal Dominant, Autosomal Recessive and X-Linked Classification Criteria (2023). Collection method: clinical testing. Allele origin: unknown.
Comment: This variant is considered benign. This variant is a silent/synonymous amino acid change and it is not expected to impact splicing.

Ambry Genetics
Classification: Likely benign for Hereditary cancer-predisposing syndrome. Last evaluated: 2023-06-10. Review status: criteria provided, single submitter. Criteria: Ambry Variant Classification Scheme 2023. Collection method: clinical testing. Allele origin: germline.

NM_058216.3(RAD51C):c.909A>G (p.Glu303=)

Gene: RAD51C (RAD51 paralog C; plus strand). Cytogenetic location: 17q22.
Variant type: single nucleotide variant.
Coding change: c.909A>G on transcript NM_058216.3 (MANE Select); coding-DNA position 909, A replaced by G.
Protein change: p.Glu303=; no amino-acid change (glutamic acid 303 retained).
Molecular consequence: synonymous variant. On other transcripts: non-coding transcript variant (1).
Genome position (GRCh38, 1-based): chr17:58,724,044, A>G. VCF-style: chr17-58724044-A-G. GRCh37 (hg19) VCF-style: chr17-56801405-A-G.
Other names: c.*337A>G (NM_058217.1).
Identifiers: ClinVar variation 2560345 (VCV002560345.3), dbSNP rs2049020875, ClinGen allele CA501075898.